The following is an entry in ClinVar:

NM_001330588.2(TPP2):c.1855G>A (p.Ala619Thr)

Gene: TPP2 (tripeptidyl peptidase 2; plus strand). Cytogenetic location: 13q33.1.
Variant type: single nucleotide variant.
Coding change: c.1855G>A on transcript NM_001330588.2 (MANE Select); coding-DNA position 1855, G replaced by A.
Protein change: p.Ala619Thr; replaces alanine 619 with threonine.
Molecular consequence: missense variant. On other transcripts: non-coding transcript variant (1).
Genome position (GRCh38, 1-based): chr13:102,638,257, G>A. VCF-style: chr13-102638257-G-A. GRCh37 (hg19) VCF-style: chr13-103290607-G-A.
Other names: c.1855G>A, p.Ala619Thr (NM_001367947.1, NM_003291.4, LRG_1341t1); short protein forms A619T.
Identifiers: ClinVar variation 544311 (VCV000544311.10), dbSNP rs142302403, ClinGen allele CA7037851.

ClinVar aggregate classification (germline): Uncertain significance. Review status: criteria provided, multiple submitters, no conflicts (2 of 4 stars). 2 submissions from 2 submitters: Uncertain significance (2). Last evaluated 2025-12-18.

Conditions:
Evans syndrome, immunodeficiency, and premature immunosenescence associated with tripeptidyl-peptidase II deficiency. Identifiers: MedGen CN231723. Disease mechanism: loss of function.
Inborn genetic diseases. Identifiers: MedGen C0950123, MeSH D030342.

Allele frequency attached by ClinVar (database versions not stated): 1000 Genomes Project 30x 0.00016; 1000 Genomes Project 0.00020; ExAC 0.00021; TOPMed 0.00022; ESP Exome Variant Server 0.00023; gnomAD 0.00023 and 0.00024; gnomAD exomes 0.00024 and 0.00025.
gnomAD v4.1: 382 of 1,612,472 alleles (0.024%); highest among the groups gnomAD compares: Admixed American, 0.042%; no homozygotes.

Submissions (2):

Ambry Genetics
Classification: Uncertain significance for Inborn genetic diseases. Last evaluated: 2025-12-18. Review status: criteria provided, single submitter. Criteria: Ambry Variant Classification Scheme 2023. Collection method: clinical testing. Allele origin: germline.

Labcorp Genetics (formerly Invitae), Labcorp
Classification: Uncertain significance for Evans syndrome, immunodeficiency, and premature immunosenescence associated with tripeptidyl-peptidase II deficiency. Last evaluated: 2025-01-01. Review status: criteria provided, single submitter. Criteria: Invitae Variant Classification Sherloc (09022015). Collection method: clinical testing. Allele origin: germline.
Comment: This sequence change replaces alanine, which is neutral and non-polar, with threonine, which is neutral and polar, at codon 619 of the TPP2 protein (p.Ala619Thr). This variant is present in population databases (rs142302403, gnomAD 0.04%). This variant has not been reported in the literature in individuals affected with TPP2-related conditions. ClinVar contains an entry for this variant (Variation ID: 544311). An algorithm developed to predict the effect of missense changes on protein structure and function (PolyPhen-2) suggests that this variant¬†is likely to be tolerated. In summary, the available evidence is currently insufficient to determine the role of this variant in disease. Therefore, it has been classified as a Variant of Uncertain Significance.